The following is an entry in ClinVar:

NM_001048174.2(MUTYH):c.1228C>T (p.His410Tyr)

Gene: MUTYH (mutY DNA glycosylase; minus strand). Cytogenetic location: 1p34.1.
Variant type: single nucleotide variant.
Coding change: c.1228C>T on transcript NM_001048174.2 (MANE Select); coding-DNA position 1228, C replaced by T.
Protein change: p.His410Tyr; replaces histidine 410 with tyrosine.
Molecular consequence: missense variant. On other transcripts: non-coding transcript variant (7).
Genome position (GRCh38, 1-based): chr1:45,331,431, G>A on the plus strand (C>T on the coding strand, the complement: MUTYH is on the minus strand). VCF-style: chr1-45331431-G-A. GRCh37 (hg19) VCF-style: chr1-45797103-G-A.
Other names: c.1228C>T, p.His410Tyr (NM_001048171.2, NM_001048173.2, NM_001293195.2 and 6 more transcripts); c.1231C>T, p.His411Tyr (NM_001048172.2, NM_001407071.1, NM_001407078.1 and 1 more transcripts); c.1312C>T, p.His438Tyr (NM_001128425.2); c.1273C>T, p.His425Tyr (NM_001293190.2); c.1261C>T, p.His421Tyr (NM_001293191.2, NM_001407069.1, NM_001407077.1); c.952C>T, p.His318Tyr (NM_001293192.2, NM_001293196.2, NM_001407091.1); c.883C>T, p.His295Tyr (NM_001350650.2, NM_001350651.2, NM_001407082.1); c.1144C>T, p.His382Tyr (NM_001407075.1); and 5 more; short protein forms H318Y, H411Y, H425Y, H435Y, H295Y, H417Y, H382Y, H397Y.
Identifiers: ClinVar variation 4112868 (VCV004112868.1).

ClinVar aggregate classification (germline): Uncertain significance (1 of 4 stars; one submission).

Conditions:
Hereditary cancer-predisposing syndrome. Also called: Tumor predisposition; Neoplastic Syndromes, Hereditary; Hereditary neoplastic syndrome; Hereditary Cancer Syndrome. Identifiers: Orphanet 140162, MedGen C0027672, MeSH D009386, MONDO:0015356.

Submission:

Ambry Genetics
Classification: Uncertain significance for Hereditary cancer-predisposing syndrome. Last evaluated: 2025-08-27. Review status: criteria provided, single submitter. Criteria: Ambry Variant Classification Scheme 2023. Collection method: clinical testing. Allele origin: germline.
Comment: The p.H438Y variant (also known as c.1312C>T), located in coding exon 13 of the MUTYH gene, results from a C to T substitution at nucleotide position 1312. The histidine at codon 438 is replaced by tyrosine, an amino acid with similar properties. This amino acid position is conserved. In addition, this alteration is predicted to be tolerated by in silico analysis. Based on the available evidence, the clinical significance of this variant remains unclear.